The following is an entry in ClinVar:

ClinVar aggregate classification (germline): Uncertain significance. Review status: criteria provided, multiple submitters, no conflicts (2 of 4 stars). 3 submissions from 3 submitters: Uncertain significance (3). Last evaluated 2026-07-21.

Conditions:
BBS2-related disorder. Also called: BBS2-related disorders; BBS2-related condition. Identifiers: MedGen CN239228.
Bardet-Biedl syndrome 2 (BBS2). Identifiers: Orphanet 110, MedGen C2936863, MONDO:0014432, OMIM 615981.
Retinitis pigmentosa 74 (RP74). Identifiers: Orphanet 791, MedGen C4225281, MONDO:0014692, OMIM 616562.
Bardet-Biedl syndrome (BBS). Identifiers: Orphanet 110, MedGen C0752166, MONDO:0015229.

Allele frequency attached by ClinVar (database versions not stated): gnomAD exomes below 0.00001.
gnomAD v4.1: 5 of 1,614,030 alleles (0.00031%); highest among the groups gnomAD compares: African/African-American, 0.0067%; no homozygotes.

Submissions (3):

PreventionGenetics, part of Exact Sciences
Classification: Uncertain significance for BBS2-related condition. Last evaluated: 2026-07-21. Review status: criteria provided, single submitter. Criteria: ACMG Guidelines, 2015. Collection method: clinical testing. Allele origin: germline.
Comment: The BBS2 c.1142C>T variant is predicted to result in the amino acid substitution p.Thr381Ile. To our knowledge, this variant has not been reported in the literature. This variant is reported in 0.018% of alleles in individuals of African descent in gnomAD. At this time, the clinical significance of this variant is uncertain due to the absence of conclusive functional and genetic evidence.

Fulgent Genetics
Classification: Uncertain significance for Bardet-Biedl syndrome 2; Retinitis pigmentosa 74. Last evaluated: 2024-01-28. Review status: criteria provided, single submitter. Criteria: ACMG Guidelines, 2015. Collection method: clinical testing. Allele origin: germline.

Labcorp Genetics (formerly Invitae), Labcorp
Classification: Uncertain significance for Bardet-Biedl syndrome. Last evaluated: 2022-05-27. Review status: criteria provided, single submitter. Criteria: Invitae Variant Classification Sherloc (09022015). Collection method: clinical testing. Allele origin: germline.
Comment: This sequence change replaces threonine, which is neutral and polar, with isoleucine, which is neutral and non-polar, at codon 381 of the BBS2 protein (p.Thr381Ile). This variant is present in population databases (rs141401728, gnomAD 0.02%). This variant has not been reported in the literature in individuals affected with BBS2-related conditions. Algorithms developed to predict the effect of missense changes on protein structure and function (SIFT, PolyPhen-2, Align-GVGD) all suggest that this variant is likely to be disruptive. In summary, the available evidence is currently insufficient to determine the role of this variant in disease. Therefore, it has been classified as a Variant of Uncertain Significance.

NM_031885.5(BBS2):c.1142C>T (p.Thr381Ile)

Gene: BBS2 (Bardet-Biedl syndrome 2; minus strand). Cytogenetic location: 16q13.
Variant type: single nucleotide variant.
Coding change: c.1142C>T on transcript NM_031885.5 (MANE Select); coding-DNA position 1142, C replaced by T.
Protein change: p.Thr381Ile; replaces threonine 381 with isoleucine.
Molecular consequence: missense variant. On other transcripts: non-coding transcript variant (5).
Genome position (GRCh38, 1-based): chr16:56,501,436, G>A on the plus strand (C>T on the coding strand, the complement: BBS2 is on the minus strand). VCF-style: chr16-56501436-G-A. GRCh37 (hg19) VCF-style: chr16-56535348-G-A.
Other names: c.1142C>T (NM_031885.3); c.1142C>T, p.Thr381Ile (NM_001377456.1); short protein forms T381I.
Identifiers: ClinVar variation 1961589 (VCV001961589.4), dbSNP rs141401728, ClinGen allele CA8065823.
Genomic context (GRCh38, chr16:56,501,436, plus strand): 5'-TCTGTATGAGCAGTTTGGGTCTCATTCCCCAGGCTGACTGAGAGCGTGGTGTGGAGCCTG[G>A]TATTGGCTGGGATTATGCCCCGATGCCCATCAGCCTCGTTCAGTGGACTGGCCAATTCAG-3'
Protein context (NP_114091.4, residues 371-391): DGHRGIIPAN[Thr381Ile]RLHTTLSVSL